The following is an entry in ClinVar:

ClinVar aggregate classification (germline): Benign. Review status: criteria provided, multiple submitters, no conflicts (2 of 4 stars). 4 submissions from 4 submitters: Benign (4). Last evaluated 2026-02-02.

Conditions:
Hearing loss, X-linked 6. Also called: Deafness, X-linked 6. Identifiers: Orphanet 90625, MedGen C3806737, MONDO:0010484, OMIM 300914.

Allele frequency attached by ClinVar (database versions not stated): gnomAD 0.00083 and 0.00106; TOPMed 0.00119; 1000 Genomes Project 30x 0.00541; 1000 Genomes Project 0.00636.
gnomAD v4.1: 773 of 1,145,207 alleles (0.067%); highest among the groups gnomAD compares: East Asian, 2.1%; 7 homozygotes.

Submissions (4):

Labcorp Genetics (formerly Invitae), Labcorp
Classification: Benign. Last evaluated: 2026-02-02. Review status: criteria provided, single submitter. Criteria: Invitae Variant Classification Sherloc (09022015). Collection method: clinical testing. Allele origin: germline.

Genome-Nilou Lab
Classification: Benign for Hearing loss, X-linked 6. Last evaluated: 2022-03-15. Review status: criteria provided, single submitter. Criteria: ACMG Guidelines, 2015. Collection method: clinical testing. Allele origin: germline. Affected: no.

GeneDx
Classification: Benign. Last evaluated: 2018-05-14. Review status: criteria provided, single submitter. Criteria: GeneDx Variant Classification (06012015). Collection method: clinical testing. Allele origin: germline. Affected: yes.
Comment: This variant is considered likely benign or benign based on one or more of the following criteria: it is a conservative change, it occurs at a poorly conserved position in the protein, it is predicted to be benign by multiple in silico algorithms, and/or has population frequency not consistent with disease.

Breakthrough Genomics
Classification: Benign. Review status: criteria provided, single submitter. Criteria: ACMG Guidelines, 2015. Collection method: not provided. Allele origin: germline. Inheritance: X-linked inheritance. Affected: yes.

NM_033641.4(COL4A6):c.1431C>T (p.Asp477=)

Gene: COL4A6 (collagen type IV alpha 6 chain; minus strand). Cytogenetic location: Xq22.3.
Variant type: single nucleotide variant.
Coding change: c.1431C>T on transcript NM_033641.4 (MANE Select); coding-DNA position 1431, C replaced by T.
Protein change: p.Asp477=; no amino-acid change (aspartic acid 477 retained).
Molecular consequence: synonymous variant.
Genome position (GRCh38, 1-based): chrX:108,188,673, G>A on the plus strand (C>T on the coding strand, the complement: COL4A6 is on the minus strand). VCF-style: chrX-108188673-G-A. GRCh37 (hg19) VCF-style: chrX-107431903-G-A.
Other names: c.1431C>T, p.Asp477= (NM_001287758.2, NM_001287759.2, NM_001287760.2); c.1434C>T, p.Asp478= (NM_001847.4).
Identifiers: ClinVar variation 682306 (VCV000682306.13), dbSNP rs139740946, ClinGen allele CA10487829.